The following is an entry in ClinVar:

ClinVar aggregate classification (germline): Uncertain significance (1 of 4 stars; one submission).

Conditions:
Hyperphosphatasia with impaired intellectual development syndrome 2. Also called: GLYCOSYLPHOSPHATIDYLINOSITOL BIOSYNTHESIS DEFECT 6; Hyperphosphatasia with intellectual disability syndrome 2. Identifiers: Orphanet 247262, MedGen C3553637, MONDO:0013882, OMIM 614749.

Allele frequency attached by ClinVar (database versions not stated): gnomAD exomes below 0.00001.
gnomAD v4.1: 1 of 1,613,140 alleles (0.000062%); highest among the groups gnomAD compares: Non-Finnish European, 0.000085%; no homozygotes.

Submission:

Labcorp Genetics (formerly Invitae), Labcorp
Classification: Uncertain significance for Hyperphosphatasia with impaired intellectual development syndrome 2. Last evaluated: 2022-06-23. Review status: criteria provided, single submitter. Criteria: Invitae Variant Classification Sherloc (09022015). Collection method: clinical testing. Allele origin: germline.
Comment: Algorithms developed to predict the effect of missense changes on protein structure and function (SIFT, PolyPhen-2, Align-GVGD) all suggest that this variant is likely to be tolerated. In summary, the available evidence is currently insufficient to determine the role of this variant in disease. Therefore, it has been classified as a Variant of Uncertain Significance. This sequence change replaces methionine, which is neutral and non-polar, with threonine, which is neutral and polar, at codon 741 of the PIGO protein (p.Met741Thr). This variant is present in population databases (no rsID available, gnomAD 0.0009%). This variant has not been reported in the literature in individuals affected with PIGO-related conditions.

NM_032634.4(PIGO):c.2222T>C (p.Met741Thr)

Gene: PIGO (phosphatidylinositol glycan anchor biosynthesis class O; minus strand). Cytogenetic location: 9p13.3.
Variant type: single nucleotide variant.
Coding change: c.2222T>C on transcript NM_032634.4 (MANE Select); coding-DNA position 2222, T replaced by C.
Protein change: p.Met741Thr; replaces methionine 741 with threonine.
Molecular consequence: missense variant. On other transcripts: intron variant (2).
Genome position (GRCh38, 1-based): chr9:35,091,665, A>G on the plus strand (T>C on the coding strand, the complement: PIGO is on the minus strand). VCF-style: chr9-35091665-A-G. GRCh37 (hg19) VCF-style: chr9-35091662-A-G.
Other names: c.1345-374T>C (NM_152850.4, NM_001201484.2); short protein forms M741T.
Identifiers: ClinVar variation 2009533 (VCV002009533.4), dbSNP rs1330917077, ClinGen allele CA373320544.